The following is an entry in ClinVar:

ClinVar aggregate classification (germline): Pathogenic (1 of 4 stars; one submission).

Submission:

Labcorp Genetics (formerly Invitae), Labcorp
Classification: Pathogenic. Last evaluated: 2022-11-15. Review status: criteria provided, single submitter. Criteria: Invitae Variant Classification Sherloc (09022015). Collection method: clinical testing. Allele origin: germline.
Comment: For these reasons, this variant has been classified as Pathogenic. This variant has not been reported in the literature in individuals affected with LRP2-related conditions. This variant is a gross deletion of the genomic region encompassing exon(s) 1 of the LRP2 gene, which includes the initiator codon. This deletion extends beyond the assayed region for this gene and therefore may encompass additional genes. It is expected to result in an absent or disrupted protein product. Loss-of-function variants in LRP2 are known to be pathogenic (PMID: 17632512, 25682901).

Literature cited by the submitters: PubMed 17632512; PubMed 25682901.

NC_000002.11:g.(?_170218811)_(170382206_?)del

Genes: KLHL41 (kelch like family member 41; plus strand), LRP2 (LDL receptor related protein 2; minus strand), BBS5 (Bardet-Biedl syndrome 5; plus strand). Cytogenetic location: 2q31.1.
Variant type: Deletion.
Identifiers: ClinVar variation 1458428 (VCV001458428.37).